The following is an entry in ClinVar:

NM_004239.4(TRIP11):c.2237T>C (p.Leu746Pro)

Gene: TRIP11 (thyroid hormone receptor interactor 11; minus strand). Cytogenetic location: 14q32.12.
Variant type: single nucleotide variant.
Coding change: c.2237T>C on transcript NM_004239.4 (MANE Select); coding-DNA position 2237, T replaced by C.
Protein change: p.Leu746Pro; replaces leucine 746 with proline.
Molecular consequence: missense variant.
Genome position (GRCh38, 1-based): chr14:92,005,739, A>G on the plus strand (T>C on the coding strand, the complement: TRIP11 is on the minus strand). VCF-style: chr14-92005739-A-G. GRCh37 (hg19) VCF-style: chr14-92472083-A-G.
Other names: c.2234T>C, p.Leu745Pro (NM_001321851.1); short protein forms L746P, L745P.
Identifiers: ClinVar variation 314962 (VCV000314962.9), dbSNP rs745959376, ClinGen allele CA7313810.

ClinVar aggregate classification (germline): Uncertain significance. Review status: criteria provided, multiple submitters, no conflicts (2 of 4 stars). 2 submissions from 2 submitters: Uncertain significance (2). Last evaluated 2024-11-05.

Conditions:
Achondrogenesis, type IA (ACG1A). Identifiers: Orphanet 932, Orphanet 93299, MedGen C0265273, MONDO:0008701, OMIM 200600.

Allele frequency attached by ClinVar (database versions not stated): gnomAD 0.00003 and 0.00004; TOPMed 0.00009; gnomAD exomes 0.00012 and 0.00022; ExAC 0.00019.
gnomAD v4.1: 75 of 1,613,948 alleles (0.0046%); highest among the groups gnomAD compares: Admixed American, 0.12%; no homozygotes.

Submissions (2):

Labcorp Genetics (formerly Invitae), Labcorp
Classification: Uncertain significance for Achondrogenesis, type IA. Last evaluated: 2024-11-05. Review status: criteria provided, single submitter. Criteria: Invitae Variant Classification Sherloc (09022015). Collection method: clinical testing. Allele origin: germline.
Comment: This sequence change replaces leucine with proline at codon 746 of the TRIP11 protein (p.Leu746Pro). The leucine residue is highly conserved and there is a moderate physicochemical difference between leucine and proline. This variant is present in population databases (rs745959376, gnomAD 0.2%). This variant has not been reported in the literature in individuals affected with TRIP11-related conditions. ClinVar contains an entry for this variant (Variation ID: 314962). Invitae Evidence Modeling of protein sequence and biophysical properties (such as structural, functional, and spatial information, amino acid conservation, physicochemical variation, residue mobility, and thermodynamic stability) indicates that this missense variant is not expected to disrupt TRIP11 protein function with a negative predictive value of 80%. In summary, the available evidence is currently insufficient to determine the role of this variant in disease. Therefore, it has been classified as a Variant of Uncertain Significance.

Illumina Laboratory Services, Illumina
Classification: Uncertain significance for Achondrogenesis, type IA. Last evaluated: 2018-01-12. Review status: criteria provided, single submitter. Criteria: ICSL Variant Classification Criteria 13 December 2019. Collection method: clinical testing. Allele origin: germline.